The following is an entry in ClinVar:

ClinVar aggregate classification (germline): Pathogenic (1 of 4 stars; one submission).

gnomAD v4.1: 1 of 1,610,254 alleles (0.000062%); highest among the groups gnomAD compares: Non-Finnish European, 0.000085%; no homozygotes.

Submission:

Labcorp Genetics (formerly Invitae), Labcorp
Classification: Pathogenic. Last evaluated: 2025-12-19. Review status: criteria provided, single submitter. Criteria: Invitae Variant Classification Sherloc (09022015). Collection method: clinical testing. Allele origin: germline.
Comment: This sequence change creates a premature translational stop signal (p.Trp5*) in the CYP2R1 gene. It is expected to result in an absent or disrupted protein product. Loss-of-function variants in CYP2R1 are known to be pathogenic (PMID: 15128933, 22855339, 25942481, 33715104). This variant is not present in population databases (gnomAD no frequency). This variant has not been reported in the literature in individuals affected with CYP2R1-related conditions. For these reasons, this variant has been classified as Pathogenic.

Literature cited by the submitters: PubMed 15128933; PubMed 22855339; PubMed 25942481; PubMed 33715104.

NM_024514.5(CYP2R1):c.15G>A (p.Trp5Ter)

Genes: CYP2R1 (cytochrome P450 family 2 subfamily R member 1; minus strand), PDE3B (phosphodiesterase 3B; plus strand). Cytogenetic location: 11p15.2.
Variant type: single nucleotide variant.
Coding change: c.15G>A on transcript NM_024514.5 (MANE Select); coding-DNA position 15, G replaced by A.
Protein change: p.Trp5Ter; replaces tryptophan 5 with a stop codon.
Molecular consequence: nonsense. On other transcripts: intron variant (3).
Genome position (GRCh38, 1-based): chr11:14,892,191, C>T on the plus strand (G>A on the coding strand, the complement: CYP2R1 is on the minus strand). VCF-style: chr11-14892191-C-T. GRCh37 (hg19) VCF-style: chr11-14913737-C-T.
Other names: c.2887-6754C>T (NM_001429700.1); c.2887-6765C>T (NM_001429699.1); c.-121+174G>A (NM_001400558.1); short protein forms W5*.
Identifiers: ClinVar variation 4733603 (VCV004733603.1).
Genomic context (GRCh38, chr11:14,892,191, plus strand): 5'-TAGCGCGAAGAGCAGCAGGAAGAGCGCGCCGCCGAGCGCCGCCGCGCCCTCTTCAGCTCT[C>T]CAAAGCTTCCACATCGGCCCGAGCTGGAGGTGCGAACTCCACAGCAGCCCTGAGACCCAG-3'